The following is an entry in ClinVar:

ClinVar aggregate classification (germline): Uncertain significance (1 of 4 stars; one submission).

Conditions:
Hereditary cancer-predisposing syndrome. Also called: Hereditary neoplastic syndrome; Hereditary Cancer Syndrome; Neoplastic Syndromes, Hereditary; Tumor predisposition. Identifiers: Orphanet 140162, MedGen C0027672, MeSH D009386, MONDO:0015356.

Submission:

Ambry Genetics
Classification: Uncertain significance for Hereditary cancer-predisposing syndrome. Last evaluated: 2026-08-21. Review status: criteria provided, single submitter. Criteria: Ambry Variant Classification Scheme 2023. Collection method: clinical testing. Allele origin: germline.
Comment: The p.G236A variant (also known as c.707G>C), located in coding exon 6 of the TSC1 gene, results from a G to C substitution at nucleotide position 707. The glycine at codon 236 is replaced by alanine, an amino acid with similar properties. This amino acid position is highly conserved in available vertebrate species. In addition, this alteration is predicted to be deleterious by in silico analysis. Based on the available evidence, the clinical significance of this variant remains unclear.

NM_000368.5(TSC1):c.707G>C (p.Gly236Ala)

Gene: TSC1 (TSC complex subunit 1; minus strand). Cytogenetic location: 9q34.13.
Variant type: single nucleotide variant.
Coding change: c.707G>C on transcript NM_000368.5 (MANE Select); coding-DNA position 707, G replaced by C.
Protein change: p.Gly236Ala; replaces glycine 236 with alanine.
Molecular consequence: missense variant. On other transcripts: non-coding transcript variant (5), intron variant (4), 5 prime UTR variant (1).
Genome position (GRCh38, 1-based): chr9:132,921,393, C>G on the plus strand (G>C on the coding strand, the complement: TSC1 is on the minus strand). VCF-style: chr9-132921393-C-G. GRCh37 (hg19) VCF-style: chr9-135796780-C-G.
Other names: c.-215+426G>C (NM_001406627.1, NM_001406628.1, NM_001406626.1); c.-357+426G>C (NM_001406629.1); c.707G>C, p.Gly236Ala (NM_001162426.2, NM_001406592.1, NM_001406593.1 and 16 more transcripts); c.554G>C, p.Gly185Ala (NM_001162427.2, NM_001406610.1, NM_001406611.1 and 2 more transcripts); c.344G>C, p.Gly115Ala (NM_001362177.2, NM_001406620.1, NM_001406621.1 and 10 more transcripts); c.-387G>C (NM_001406630.1); short protein forms G185A, G115A, G236A.
Identifiers: ClinVar variation 2620225 (VCV002620225.3), dbSNP rs1846545280, ClinGen allele CA375371332.